The following is an entry in ClinVar:

ClinVar aggregate classification (germline): Conflicting classifications of pathogenicity. Review status: criteria provided, conflicting classifications (1 of 4 stars). 2 submissions from 2 submitters: Uncertain significance (1); Benign (1). Last evaluated 2026-09-15.

Conditions:
PHIP-related disorder. Also called: PHIP-related condition; PHIP-related disorders.

gnomAD v4.1: 12 of 1,613,742 alleles (0.00074%); highest among the groups gnomAD compares: African/African-American, 0.011%; no homozygotes.

Submissions (2):

PreventionGenetics, part of Exact Sciences
Classification: Uncertain significance for PHIP-related condition. Last evaluated: 2026-09-15. Review status: criteria provided, single submitter. Criteria: ACMG Guidelines, 2015. Collection method: clinical testing. Allele origin: germline.
Comment: The PHIP c.5252A>C variant is predicted to result in the amino acid substitution p.Asp1751Ala. To our knowledge, this variant has not been reported in the literature. This variant is reported in 0.016% of alleles in individuals of African descent in gnomAD. Although we suspect that this variant may be benign, at this time, the clinical significance of this variant is uncertain due to the absence of conclusive functional and genetic evidence.

Labcorp Genetics (formerly Invitae), Labcorp
Classification: Benign. Last evaluated: 2025-03-10. Review status: criteria provided, single submitter. Criteria: Invitae Variant Classification Sherloc (09022015). Collection method: clinical testing. Allele origin: germline.

NM_017934.7(PHIP):c.5252A>C (p.Asp1751Ala)

Genes: IRAK1BP1 (interleukin 1 receptor associated kinase 1 binding protein 1; plus strand), PHIP (PHIP subunit of CUL4-Ring ligase complex; minus strand). Cytogenetic location: 6q14.1.
Variant type: single nucleotide variant.
Coding change: c.5252A>C on transcript NM_017934.7 (MANE Select); coding-DNA position 5252, A replaced by C.
Protein change: p.Asp1751Ala; replaces aspartic acid 1751 with alanine.
Molecular consequence: missense variant.
Genome position (GRCh38, 1-based): chr6:78,940,907, T>G on the plus strand (A>C on the coding strand, the complement: PHIP is on the minus strand). VCF-style: chr6-78940907-T-G. GRCh37 (hg19) VCF-style: chr6-79650624-T-G.
Other names: c.5252A>C (NM_017934.6); short protein forms D1751A.
Identifiers: ClinVar variation 4765189 (VCV004765189.2).